The following is an entry in ClinVar:

NM_020937.4(FANCM):c.3971G>A (p.Gly1324Asp)

Gene: FANCM (FA complementation group M; plus strand). Cytogenetic location: 14q21.2.
Variant type: single nucleotide variant.
Coding change: c.3971G>A on transcript NM_020937.4 (MANE Select); coding-DNA position 3971, G replaced by A.
Protein change: p.Gly1324Asp; replaces glycine 1324 with aspartic acid.
Molecular consequence: missense variant.
Genome position (GRCh38, 1-based): chr14:45,176,725, G>A. VCF-style: chr14-45176725-G-A. GRCh37 (hg19) VCF-style: chr14-45645928-G-A.
Other names: c.3893G>A, p.Gly1298Asp (NM_001308133.2); short protein forms G1298D, G1324D.
Identifiers: ClinVar variation 946357 (VCV000946357.9), dbSNP rs1888731038, ClinGen allele CA389603784.

ClinVar aggregate classification (germline): Uncertain significance (1 of 4 stars; one submission).

Conditions:
Fanconi anemia (FA). Also called: Fanconi's anemia. Identifiers: Orphanet 84, MedGen C0015625, MeSH D005199, MONDO:0019391.

Allele frequency attached by ClinVar (database versions not stated): gnomAD exomes below 0.00001; gnomAD 0.00001.
gnomAD v4.1: 6 of 1,613,274 alleles (0.00037%); highest among the groups gnomAD compares: Non-Finnish European, 0.00051%; no homozygotes.

Submission:

Labcorp Genetics (formerly Invitae), Labcorp
Classification: Uncertain significance for Fanconi anemia. Last evaluated: 2024-06-25. Review status: criteria provided, single submitter. Criteria: Invitae Variant Classification Sherloc (09022015). Collection method: clinical testing. Allele origin: germline.
Comment: This sequence change replaces glycine, which is neutral and non-polar, with aspartic acid, which is acidic and polar, at codon 1324 of the FANCM protein (p.Gly1324Asp). This variant is not present in population databases (gnomAD no frequency). This variant has not been reported in the literature in individuals affected with FANCM-related conditions. ClinVar contains an entry for this variant (Variation ID: 946357). An algorithm developed to predict the effect of missense changes on protein structure and function (PolyPhen-2) suggests that this variant is likely to be tolerated. In summary, the available evidence is currently insufficient to determine the role of this variant in disease. Therefore, it has been classified as a Variant of Uncertain Significance.